The following is an entry in ClinVar:

NM_172364.5(CACNA2D4):c.1970del (p.Gly657fs)

Gene: CACNA2D4 (calcium voltage-gated channel auxiliary subunit alpha2delta 4; minus strand). Cytogenetic location: 12p13.33.
Variant type: Deletion.
Coding change: c.1970del on transcript NM_172364.5 (MANE Select); coding-DNA position 1970, one base deleted (G; older notation c.1970delG).
Protein change: p.Gly657fs; shifts the reading frame from glycine 657.
Molecular consequence: frameshift variant.
Genome position (GRCh38, 1-based): chr12:1,858,615, C deleted on the plus strand (G on the coding strand, the reverse complement: CACNA2D4 is on the minus strand); the first of 2 consecutive C bases (chr12:1,858,615-1,858,616); deleting either gives the same sequence. VCF-style (leftmost placement, unchanged base first): chr12-1858614-TC-T. GRCh37 (hg19) VCF-style: chr12-1967780-TC-T.
Other names: short protein forms G657fs.
Identifiers: ClinVar variation 2740537 (VCV002740537.3), dbSNP rs2498059711, ClinGen allele CA2575043610.

ClinVar aggregate classification (germline): Uncertain significance (1 of 4 stars; one submission).

Submission:

Labcorp Genetics (formerly Invitae), Labcorp
Classification: Uncertain significance. Last evaluated: 2023-07-19. Review status: criteria provided, single submitter. Criteria: Invitae Variant Classification Sherloc (09022015). Collection method: clinical testing. Allele origin: germline.
Comment: This sequence change creates a premature translational stop signal (p.Gly657Glufs*46) in the CACNA2D4 gene. It is expected to result in an absent or disrupted protein product. However, the current clinical and genetic evidence is not sufficient to establish whether loss-of-function variants in CACNA2D4 cause disease. This variant is not present in population databases (gnomAD no frequency). This variant has not been reported in the literature in individuals affected with CACNA2D4-related conditions. In summary, the available evidence is currently insufficient to determine the role of this variant in disease. Therefore, it has been classified as a Variant of Uncertain Significance.